The following is an entry in ClinVar:

NM_000222.3(KIT):c.1196T>C (p.Val399Ala)

Gene: KIT (KIT proto-oncogene, receptor tyrosine kinase; plus strand). Cytogenetic location: 4q12.
Variant type: single nucleotide variant.
Coding change: c.1196T>C on transcript NM_000222.3 (MANE Select); coding-DNA position 1196, T replaced by C.
Protein change: p.Val399Ala; replaces valine 399 with alanine.
Molecular consequence: missense variant.
Genome position (GRCh38, 1-based): chr4:54,709,504, T>C. VCF-style: chr4-54709504-T-C. GRCh37 (hg19) VCF-style: chr4-55575670-T-C.
Other names: c.1199T>C, p.Val400Ala (NM_001385284.1, NM_001385288.1, NM_001385290.1 and 1 more transcripts); c.1196T>C, p.Val399Ala (NM_001385285.1, NM_001385286.1, NM_001093772.2); short protein forms V399A, V400A.
Identifiers: ClinVar variation 458856 (VCV000458856.11), dbSNP rs1553889101, ClinGen allele CA356902522.

ClinVar aggregate classification (germline): Conflicting classifications of pathogenicity. Review status: criteria provided, conflicting classifications (1 of 4 stars). 2 submissions from 2 submitters: Uncertain significance (1); Likely benign (1). Last evaluated 2026-06-17.

Conditions:
Gastrointestinal stromal tumor. Also called: Gastrointestinal stromal tumor, somatic; Gastrointestinal stroma tumor. Identifiers: Orphanet 44890, MedGen C0238198, MeSH D046152, MONDO:0011719, OMIM 606764, HP:0100723.
Hereditary cancer-predisposing syndrome. Also called: Neoplastic Syndromes, Hereditary; Hereditary neoplastic syndrome; Hereditary Cancer Syndrome; Tumor predisposition. Identifiers: Orphanet 140162, MedGen C0027672, MeSH D009386, MONDO:0015356.

Allele frequency attached by ClinVar (database versions not stated): gnomAD exomes below 0.00001.
gnomAD v4.1: 1 of 1,612,232 alleles (0.000062%); highest among the groups gnomAD compares: African/African-American, 0.0013%; no homozygotes.

Submissions (2):

Ambry Genetics
Classification: Likely benign for Hereditary cancer-predisposing syndrome. Last evaluated: 2026-06-17. Review status: criteria provided, single submitter. Criteria: Ambry Variant Classification Scheme 2023. Collection method: clinical testing. Allele origin: germline.

Labcorp Genetics (formerly Invitae), Labcorp
Classification: Uncertain significance for Gastrointestinal stromal tumor. Last evaluated: 2024-12-12. Review status: criteria provided, single submitter. Criteria: Invitae Variant Classification Sherloc (09022015). Collection method: clinical testing. Allele origin: germline.
Comment: This sequence change replaces valine, which is neutral and non-polar, with alanine, which is neutral and non-polar, at codon 399 of the KIT protein (p.Val399Ala). This variant is not present in population databases (gnomAD no frequency). This variant has not been reported in the literature in individuals affected with KIT-related conditions. ClinVar contains an entry for this variant (Variation ID: 458856). An algorithm developed to predict the effect of missense changes on protein structure and function outputs the following: PolyPhen-2: "Benign". The alanine amino acid residue is found in multiple mammalian species, which suggests that this missense change does not adversely affect protein function. In summary, the available evidence is currently insufficient to determine the role of this variant in disease. Therefore, it has been classified as a Variant of Uncertain Significance.